The following is an entry in ClinVar:

ClinVar aggregate classification (germline): Uncertain significance (1 of 4 stars; one submission).

Conditions:
Cardiovascular phenotype. Identifiers: MedGen CN230736.

Submission:

Ambry Genetics
Classification: Uncertain significance for Cardiovascular phenotype. Last evaluated: 2024-03-20. Review status: criteria provided, single submitter. Criteria: Ambry Variant Classification Scheme 2023. Collection method: clinical testing. Allele origin: germline.
Comment: The p.I319V variant (also known as c.955A>G), located in coding exon 9 of the PRDM5 gene, results from an A to G substitution at nucleotide position 955. The isoleucine at codon 319 is replaced by valine, an amino acid with highly similar properties. This amino acid position is conserved. In addition, this alteration is predicted to be tolerated by in silico analysis. Based on the available evidence, the clinical significance of this alteration remains unclear.

NM_018699.4(PRDM5):c.955A>G (p.Ile319Val)

Gene: PRDM5 (PR/SET domain 5; minus strand). Cytogenetic location: 4q27.
Variant type: single nucleotide variant.
Coding change: c.955A>G on transcript NM_018699.4 (MANE Select); coding-DNA position 955, A replaced by G.
Protein change: p.Ile319Val; replaces isoleucine 319 with valine.
Molecular consequence: missense variant.
Genome position (GRCh38, 1-based): chr4:120,799,736, T>C on the plus strand (A>G on the coding strand, the complement: PRDM5 is on the minus strand). VCF-style: chr4-120799736-T-C. GRCh37 (hg19) VCF-style: chr4-121720891-T-C.
Other names: c.862A>G, p.Ile288Val (NM_001300823.2, NM_001300824.2, NM_001379106.1); c.955A>G, p.Ile319Val (NM_001379104.1); short protein forms I319V, I288V.
Identifiers: ClinVar variation 3309800 (VCV003309800.1).